The following is an entry in ClinVar:

NM_000256.3(MYBPC3):c.1053G>T (p.Arg351Ser)

Gene: MYBPC3 (myosin binding protein C3; minus strand). Cytogenetic location: 11p11.2.
Variant type: single nucleotide variant.
Coding change: c.1053G>T on transcript NM_000256.3 (MANE Select); coding-DNA position 1053, G replaced by T.
Protein change: p.Arg351Ser; replaces arginine 351 with serine.
Molecular consequence: missense variant.
Genome position (GRCh38, 1-based): chr11:47,346,244, C>A on the plus strand (G>T on the coding strand, the complement: MYBPC3 is on the minus strand). VCF-style: chr11-47346244-C-A. GRCh37 (hg19) VCF-style: chr11-47367795-C-A.
Other names: short protein forms R351S.
Identifiers: ClinVar variation 4734569 (VCV004734569.1).

ClinVar aggregate classification (germline): Uncertain significance (1 of 4 stars; one submission).

Conditions:
Hypertrophic cardiomyopathy. Also called: HYPERTROPHIC MYOCARDIOPATHY. Identifiers: Orphanet 217569, MedGen C0007194, MeSH D002312, MONDO:0005045, HP:0001639.

Submission:

Labcorp Genetics (formerly Invitae), Labcorp
Classification: Uncertain significance for Hypertrophic cardiomyopathy. Last evaluated: 2026-01-01. Review status: criteria provided, single submitter. Criteria: Invitae Variant Classification Sherloc (09022015). Collection method: clinical testing. Allele origin: germline.
Comment: This sequence change replaces arginine, which is basic and polar, with serine, which is neutral and polar, at codon 351 of the MYBPC3 protein (p.Arg351Ser). This variant is not present in population databases (gnomAD no frequency). This variant has not been reported in the literature in individuals affected with MYBPC3-related conditions. An algorithm developed to predict the effect of missense changes on protein structure and function (PolyPhen-2) suggests that this variant is likely to be disruptive. In summary, the available evidence is currently insufficient to determine the role of this variant in disease. Therefore, it has been classified as a Variant of Uncertain Significance.